The following is an entry in ClinVar:

NM_005802.5(TOPORS):c.2346C>T (p.Thr782=)

Gene: TOPORS (TOP1 binding arginine/serine rich protein, E3 ubiquitin ligase; minus strand). Cytogenetic location: 9p21.1.
Variant type: single nucleotide variant.
Coding change: c.2346C>T on transcript NM_005802.5 (MANE Select); coding-DNA position 2346, C replaced by T.
Protein change: p.Thr782=; no amino-acid change (threonine 782 retained).
Molecular consequence: synonymous variant.
Genome position (GRCh38, 1-based): chr9:32,542,179, G>A on the plus strand (C>T on the coding strand, the complement: TOPORS is on the minus strand). VCF-style: chr9-32542179-G-A. GRCh37 (hg19) VCF-style: chr9-32542177-G-A.
Other names: c.2151C>T, p.Thr717= (NM_001195622.2); c.2346C>T (NM_005802.4).
Identifiers: ClinVar variation 1147663 (VCV001147663.11), dbSNP rs777159758, ClinGen allele CA5020386.

ClinVar aggregate classification (germline): Likely benign. Review status: criteria provided, multiple submitters, no conflicts (2 of 4 stars). 3 submissions from 3 submitters: Likely benign (3). Last evaluated 2026-02-04.

Conditions:
TOPORS-related disorder. Also called: TOPORS-related condition.

Allele frequency attached by ClinVar (database versions not stated): ExAC 0.00002; gnomAD exomes 0.00002 and 0.00003; gnomAD 0.00009 and 0.00011; TOPMed 0.00017.
gnomAD v4.1: 54 of 1,614,062 alleles (0.0033%); highest among the groups gnomAD compares: Admixed American, 0.018%; no homozygotes.

Submissions (3):

PreventionGenetics, part of Exact Sciences
Classification: Likely benign for TOPORS-related condition. Last evaluated: 2026-02-04. Review status: criteria provided, single submitter. Criteria: ACMG Guidelines, 2015. Collection method: clinical testing. Allele origin: germline.
Comment: This variant is classified as likely benign based on ACMG/AMP sequence variant interpretation guidelines (Richards et al. 2015 PMID: 25741868, with internal and published modifications).

Labcorp Genetics (formerly Invitae), Labcorp
Classification: Likely benign. Last evaluated: 2025-12-09. Review status: criteria provided, single submitter. Criteria: Invitae Variant Classification Sherloc (09022015). Collection method: clinical testing. Allele origin: germline.

Blueprint Genetics
Classification: Likely benign. Last evaluated: 2023-12-18. Review status: criteria provided, single submitter. Criteria: ACMG Guidelines, 2015. Collection method: clinical testing. Allele origin: germline.